The following is an entry in ClinVar:

NM_017838.4(NHP2):c.140T>C (p.Leu47Pro)

Gene: NHP2 (NHP2 ribonucleoprotein; minus strand). Cytogenetic location: 5q35.3.
Variant type: single nucleotide variant.
Coding change: c.140T>C on transcript NM_017838.4 (MANE Select); coding-DNA position 140, T replaced by C.
Protein change: p.Leu47Pro; replaces leucine 47 with proline.
Molecular consequence: missense variant.
Genome position (GRCh38, 1-based): chr5:178,153,678, A>G on the plus strand (T>C on the coding strand, the complement: NHP2 is on the minus strand). VCF-style: chr5-178153678-A-G. GRCh37 (hg19) VCF-style: chr5-177580679-A-G.
Other names: c.140T>C, p.Leu47Pro (NM_001034833.2, NM_001396110.1); short protein forms L47P.
Identifiers: ClinVar variation 4738425 (VCV004738425.1).
Genomic context (GRCh38, chr5:178,153,678, plus strand): 5'-ACCCGCGCACCCATCCCGGCCACGCCGCCGTCCGCCTCACCTTTCTTGATGCATTTGTAG[A>G]GCTTCCGCGTGAGGCGGCGAGAAGCCAGGGGCTGCGCGATGGGGTTCTGGTTGACCAGCA-3'
Protein context (NP_060308.1, residues 37-57): PLASRRLTRK[Leu47Pro]YKCIKKAVKQ

ClinVar aggregate classification (germline): Uncertain significance (1 of 4 stars; one submission).

Conditions:
Dyskeratosis congenita. Identifiers: Orphanet 1775, MedGen C0265965, MONDO:0015780.

Submission:

Labcorp Genetics (formerly Invitae), Labcorp
Classification: Uncertain significance for Dyskeratosis congenita. Last evaluated: 2025-09-17. Review status: criteria provided, single submitter. Criteria: Invitae Variant Classification Sherloc (09022015). Collection method: clinical testing. Allele origin: germline.
Comment: This sequence change replaces leucine, which is neutral and non-polar, with proline, which is neutral and non-polar, at codon 47 of the NHP2 protein (p.Leu47Pro). This variant is not present in population databases (gnomAD no frequency). This variant has not been reported in the literature in individuals affected with NHP2-related conditions. An algorithm developed to predict the effect of missense changes on protein structure and function (PolyPhen-2) suggests that this variant is likely to be disruptive. In summary, the available evidence is currently insufficient to determine the role of this variant in disease. Therefore, it has been classified as a Variant of Uncertain Significance.